The following is an entry in ClinVar:

ClinVar aggregate classification (germline): Uncertain significance (1 of 4 stars; one submission).

Conditions:
Growth hormone insensitivity with immune dysregulation 1, autosomal recessive. Also called: GROWTH HORMONE INSENSITIVITY DUE TO POSTRECEPTOR DEFECT; Laron syndrome with immunodeficiency; LARON SYNDROME DUE TO POSTRECEPTOR DEFECT; GROWTH HORMONE INSENSITIVITY SYNDROME WITH IMMUNE DYSREGULATION 1, AUTOSOMAL RECESSIVE. Identifiers: Orphanet 220465, MedGen C5435698, MONDO:0100211, OMIM 245590.

Submission:

Labcorp Genetics (formerly Invitae), Labcorp
Classification: Uncertain significance for Growth hormone insensitivity with immune dysregulation 1, autosomal recessive. Last evaluated: 2023-06-06. Review status: criteria provided, single submitter. Criteria: Invitae Variant Classification Sherloc (09022015). Collection method: clinical testing. Allele origin: germline.
Comment: In summary, the available evidence is currently insufficient to determine the role of this variant in disease. Therefore, it has been classified as a Variant of Uncertain Significance. This sequence change falls in intron 3 of the STAT5B gene. It does not directly change the encoded amino acid sequence of the STAT5B protein. It affects a nucleotide within the consensus splice site. This variant is not present in population databases (gnomAD no frequency). This variant has not been reported in the literature in individuals affected with STAT5B-related conditions. Variants that disrupt the consensus splice site are a relatively common cause of aberrant splicing (PMID: 17576681, 9536098). Algorithms developed to predict the effect of sequence changes on RNA splicing suggest that this variant may create or strengthen a splice site.

Literature cited by the submitters: PubMed 17576681; PubMed 9536098.

NM_012448.4(STAT5B):c.285+6_285+11del

Gene: STAT5B (signal transducer and activator of transcription 5B; minus strand). Cytogenetic location: 17q21.2.
Variant type: Deletion.
Coding change: c.285+6_285+11del on transcript NM_012448.4 (MANE Select); bases 6 to 11 of the intron after coding-DNA position 285, 6 bases deleted (TGTGGG; older notation c.285+6_285+11delTGTGGG).
Molecular consequence: splice donor variant.
Genome position (GRCh38, 1-based): chr17:42,227,518-42,227,523, CCCACA deleted on the plus strand (TGTGGG on the coding strand, the reverse complement: STAT5B is on the minus strand); deleting any 6 consecutive bases within chr17:42,227,518-42,227,528 gives the same sequence; the c. name uses the placement nearest the transcript's 3' end. VCF-style (leftmost placement, unchanged base first): chr17-42227517-GCCCACA-G. GRCh37 (hg19) VCF-style: chr17-40379535-GCCCACA-G.
Identifiers: ClinVar variation 2825830 (VCV002825830.3), dbSNP rs2508790419, ClinGen allele CA2576274128.
Genomic context (GRCh38, chr17:42,227,517, plus strand): 5'-GAAAGAAAGTCTCTACAGGAAGAAGACCCCCAAGGGAAGGTAATTAAGTGTGACCCCAGA[GCCCACA>G]CCCACCTGGAGCTGTGTGGCATAGTGCCCCAGCTTGATCTTCAGTAAAAACCCATCTTCC-3'